The following is an entry in ClinVar:

ClinVar aggregate classification (germline): Conflicting classifications of pathogenicity. Review status: criteria provided, conflicting classifications (1 of 4 stars). 6 submissions from 6 submitters: Uncertain significance (1); Benign (2); Likely benign (3). Last evaluated 2026-07-01.

Conditions:
Epidermolysis bullosa simplex with nail dystrophy (EBS5D). Identifiers: MedGen C4225309, MONDO:0014661, OMIM 616487.
Epidermolysis bullosa simplex 5C, with pyloric atresia (EBS5C). Also called: PLEC-Related Epidermolysis Bullosa with Pyloric Atresia; PLEC1-Related Epidermolysis Bullosa with Pyloric Atresia; Epidermolysis bullosa simplex with pyloric atresia. Identifiers: Orphanet 158684, MedGen C2677349, MONDO:0012807, OMIM 612138.
Autosomal recessive limb-girdle muscular dystrophy type 2Q (LGMDR17). Also called: MUSCULAR DYSTROPHY, LIMB-GIRDLE, AUTOSOMAL RECESSIVE 17. Identifiers: Orphanet 254361, MedGen C3150989, MONDO:0013390, OMIM 613723.
Epidermolysis bullosa simplex, Ogna type (EBS5A). Also called: Pidermolysis bullosa simplex 5A, Ogna type; EPIDERMOLYSIS BULLOSA SIMPLEX 5A, OGNA TYPE. Identifiers: Orphanet 79401, MedGen C0432317, MONDO:0007555, OMIM 131950.
Epidermolysis bullosa simplex 5B, with muscular dystrophy (EBS5B). Also called: EPIDERMOLYSIS BULLOSA SIMPLEX AND LIMB-GIRDLE MUSCULAR DYSTROPHY; Epidermolysis bullosa simplex with muscular dystrophy. Identifiers: Orphanet 257, MedGen C2931072, MONDO:0009181, OMIM 226670.

Allele frequency attached by ClinVar (database versions not stated): ESP Exome Variant Server 0.00011; gnomAD 0.00015 and 0.00024; TOPMed 0.00022; gnomAD exomes 0.00036 and 0.00076; 1000 Genomes Project 0.00080; ExAC 0.00092; 1000 Genomes Project 30x 0.00109.
gnomAD v4.1: 553 of 1,593,058 alleles (0.035%); highest among the groups gnomAD compares: South Asian, 0.31%; 5 homozygotes.

Submissions (6):

CeGaT Center for Human Genetics Tuebingen
Classification: Likely benign. Last evaluated: 2026-07-01. Review status: criteria provided, single submitter. Criteria: CeGaT Center For Human Genetics Tuebingen Variant Classification Criteria Version 2. Collection method: clinical testing. Allele origin: germline. Affected: yes. Observed: 2 variant alleles.
Comment: PLEC: BP4, BP7

Labcorp Genetics (formerly Invitae), Labcorp
Classification: Benign for Autosomal recessive limb-girdle muscular dystrophy type 2Q; Epidermolysis bullosa simplex, Ogna type; Epidermolysis bullosa simplex with nail dystrophy; Epidermolysis bullosa simplex 5C, with pyloric atresia; Epidermolysis bullosa simplex 5B, with muscular dystrophy. Last evaluated: 2026-01-12. Review status: criteria provided, single submitter. Criteria: Invitae Variant Classification Sherloc (09022015). Collection method: clinical testing. Allele origin: germline.

Athena Diagnostics
Classification: Benign. Last evaluated: 2024-12-17. Review status: criteria provided, single submitter. Criteria: Athena Diagnostics Criteria. Collection method: clinical testing. Allele origin: unknown.
Comment: The frequency of this variant in the general population is higher than would generally be expected for pathogenic variants in this gene. Computational tools yielded predictions that this variant is unlikely to have an effect on normal RNA splicing. This nucleotide position exhibits low evolutionary conservation.

Blueprint Genetics
Classification: Likely benign. Last evaluated: 2024-11-27. Review status: criteria provided, single submitter. Criteria: ACMG Guidelines, 2015. Collection method: clinical testing. Allele origin: germline.

GeneDx
Classification: Likely benign. Last evaluated: 2019-09-30. Review status: criteria provided, single submitter. Criteria: GeneDx Variant Classification Process June 2021. Collection method: clinical testing. Allele origin: germline. Affected: yes.

Eurofins Ntd Llc (ga)
Classification: Uncertain significance. Last evaluated: 2016-09-12. Review status: criteria provided, single submitter. Criteria: EGL Classification Definitions 2015. Collection method: clinical testing. Allele origin: germline. Observed: 5 variant alleles, 5 heterozygotes.

NM_201384.3(PLEC):c.5520C>T (p.Ala1840=)

Gene: PLEC (plectin; minus strand). Cytogenetic location: 8q24.3.
Variant type: single nucleotide variant.
Coding change: c.5520C>T on transcript NM_201384.3 (MANE Select); coding-DNA position 5520, C replaced by T.
Protein change: p.Ala1840=; no amino-acid change (alanine 1840 retained).
Molecular consequence: synonymous variant.
Genome position (GRCh38, 1-based): chr8:143,924,409, G>A on the plus strand (C>T on the coding strand, the complement: PLEC is on the minus strand). VCF-style: chr8-143924409-G-A. GRCh37 (hg19) VCF-style: chr8-144998577-G-A.
Other names: c.5601C>T, p.Ala1867= (NM_000445.5); c.5478C>T, p.Ala1826= (NM_201378.4); c.5454C>T, p.Ala1818= (NM_201379.3); c.5931C>T, p.Ala1977= (NM_201380.4); c.5424C>T, p.Ala1808= (NM_201381.3); c.5520C>T, p.Ala1840= (NM_201382.4); c.5532C>T, p.Ala1844= (NM_201383.3).
Identifiers: ClinVar variation 284467 (VCV000284467.48), dbSNP rs374790646, ClinGen allele CA4926339.
Genomic context (GRCh38, chr8:143,924,409, plus strand): 5'-CTCCTTCTCCTTGAGCGCGATCTCCGCCTCCGTCTTGAGCCGCGTGGCCTCGCCGATGGC[G>A]GCCAGCTTCTCCGCAAGCACCCGCTCCGCCTCGGCCCGCTGCCGCGCCGCGTCTTCCTCG-3'
Protein context (NP_958786.1, residues 1830-1850): EAERVLAEKL[Ala1840=]AIGEATRLKT